The following is an entry in ClinVar:

ClinVar aggregate classification (germline): Uncertain significance (1 of 4 stars; one submission).

Allele frequency attached by ClinVar (database versions not stated): gnomAD exomes below 0.00001; TOPMed below 0.00001.

Submission:

HudsonAlpha Institute for Biotechnology
Classification: Uncertain significance. Last evaluated: 2021-03-25. Review status: criteria provided, single submitter. Criteria: ACMG Guidelines, 2015. Collection method: research. Allele origin: unknown. Observed: 1 variant allele. Study: HudsonAlpha-AGHI-WGS.
Comment: ACMG codes:PM2, PP3

NM_181349.3(SMURF1):c.721G>A (p.Glu241Lys)

Gene: SMURF1 (SMAD specific E3 ubiquitin protein ligase 1; minus strand). Cytogenetic location: 7q22.1.
Variant type: single nucleotide variant.
Coding change: c.721G>A on transcript NM_181349.3 (MANE Select); coding-DNA position 721, G replaced by A.
Protein change: p.Glu241Lys; replaces glutamic acid 241 with lysine.
Molecular consequence: missense variant.
Genome position (GRCh38, 1-based): chr7:99,052,205, C>T on the plus strand (G>A on the coding strand, the complement: SMURF1 is on the minus strand). VCF-style: chr7-99052205-C-T. GRCh37 (hg19) VCF-style: chr7-98649828-C-T.
Other names: c.721G>A, p.Glu241Lys (NM_001199847.2, NM_020429.3); short protein forms E241K.
Identifiers: ClinVar variation 1251940 (VCV001251940.1), dbSNP rs1795770782, ClinGen allele CA368311369.